The following is an entry in ClinVar:

ClinVar aggregate classification (germline): Uncertain significance. Review status: criteria provided, multiple submitters, no conflicts (2 of 4 stars). 2 submissions from 2 submitters: Uncertain significance (2). Last evaluated 2024-04-07.

Conditions:
Orofaciodigital syndrome type 6 (OFD6). Also called: OROFACIODIGITAL SYNDROME VI; OFDS VI; POLYDACTYLY, CLEFT LIP/PALATE OR LINGUAL LUMP, AND PSYCHOMOTOR RETARDATION; VARADI SYNDROME; VARADI-PAPP SYNDROME; Oral-facial-digital syndrome type 6. Identifiers: Orphanet 2754, MedGen C2745997, MONDO:0010176, OMIM 277170.
Joubert syndrome 17 (JBTS17). Identifiers: Orphanet 475, MedGen C3553264, MONDO:0013824, OMIM 614615.

Allele frequency attached by ClinVar (database versions not stated): gnomAD exomes 0.00001 and 0.00002; gnomAD 0.00003; TOPMed 0.00003; 1000 Genomes Project 30x 0.00016.
gnomAD v4.1: 34 of 1,543,442 alleles (0.0022%); highest among the groups gnomAD compares: Non-Finnish European, 0.0028%; no homozygotes.

Submissions (2):

Fulgent Genetics
Classification: Uncertain significance for Orofaciodigital syndrome type 6; Joubert syndrome 17. Last evaluated: 2024-04-07. Review status: criteria provided, single submitter. Criteria: ACMG Guidelines, 2015. Collection method: clinical testing. Allele origin: germline.

Labcorp Genetics (formerly Invitae), Labcorp
Classification: Uncertain significance. Last evaluated: 2023-12-06. Review status: criteria provided, single submitter. Criteria: Invitae Variant Classification Sherloc (09022015). Collection method: clinical testing. Allele origin: germline.
Comment: This sequence change replaces valine, which is neutral and non-polar, with isoleucine, which is neutral and non-polar, at codon 939 of the CPLANE1 protein (p.Val939Ile). This variant is present in population databases (no rsID available, gnomAD 0.005%). This variant has not been reported in the literature in individuals affected with CPLANE1-related conditions. ClinVar contains an entry for this variant (Variation ID: 1510953). Advanced modeling of protein sequence and biophysical properties (such as structural, functional, and spatial information, amino acid conservation, physicochemical variation, residue mobility, and thermodynamic stability) performed at Invitae indicates that this missense variant is not expected to disrupt CPLANE1 protein function with a negative predictive value of 95%. In summary, the available evidence is currently insufficient to determine the role of this variant in disease. Therefore, it has been classified as a Variant of Uncertain Significance.

NM_001384732.1(CPLANE1):c.2815G>A (p.Val939Ile)

Gene: CPLANE1 (ciliogenesis and planar polarity effector complex subunit 1; minus strand). Cytogenetic location: 5p13.2.
Variant type: single nucleotide variant.
Coding change: c.2815G>A on transcript NM_001384732.1 (MANE Select); coding-DNA position 2815, G replaced by A.
Protein change: p.Val939Ile; replaces valine 939 with isoleucine.
Molecular consequence: missense variant.
Genome position (GRCh38, 1-based): chr5:37,213,664, C>T on the plus strand (G>A on the coding strand, the complement: CPLANE1 is on the minus strand). VCF-style: chr5-37213664-C-T. GRCh37 (hg19) VCF-style: chr5-37213766-C-T.
Other names: c.2815G>A, p.Val939Ile (NM_023073.4); c.2815G>A (NM_023073.3); short protein forms V939I.
Identifiers: ClinVar variation 1510953 (VCV001510953.5), dbSNP rs1048318459, ClinGen allele CA117047136.
Genomic context (GRCh38, chr5:37,213,664, plus strand): 5'-GCAAAATGCAAAGCTGCTGATTGGTGAAATAGGCAGCCATGAAACGAGCCATGGACTGGA[C>T]GACTCTCACTGCTGCCTCAGGATGAACACCGCCCACCATTCCACACTCAAAATGAGACTT-3'
Protein context (NP_001371661.1, residues 929-949): GVHPEAAVRV[Val939Ile]QSMARFMAAY